The following is an entry in ClinVar:

NM_024408.4(NOTCH2):c.2855_2858del (p.Glu952fs)

Gene: NOTCH2 (notch receptor 2; minus strand). Cytogenetic location: 1p12.
Variant type: Deletion.
Coding change: c.2855_2858del on transcript NM_024408.4 (MANE Select); coding-DNA positions 2855 to 2858, 4 bases deleted (AGTG; older notation c.2855_2858delAGTG).
Protein change: p.Glu952fs; shifts the reading frame from glutamic acid 952.
Molecular consequence: frameshift variant.
Genome position (GRCh38, 1-based): chr1:119,941,649-119,941,652, CACT deleted on the plus strand (AGTG on the coding strand, the reverse complement: NOTCH2 is on the minus strand); deleting any 4 consecutive bases within chr1:119,941,649-119,941,654 gives the same sequence; the c. name uses the placement nearest the transcript's 3' end. VCF-style (leftmost placement, unchanged base first): chr1-119941648-ACACT-A. GRCh37 (hg19) VCF-style: chr1-120484271-ACACT-A.
Other names: c.2855_2858del, p.Glu952fs (NM_001200001.2); short protein forms E952fs.
Identifiers: ClinVar variation 3065552 (VCV003065552.3), dbSNP rs2526206561, ClinGen allele CA2740097919.

ClinVar aggregate classification (germline): Likely pathogenic. Review status: criteria provided, multiple submitters, no conflicts (2 of 4 stars). 2 submissions from 2 submitters: Likely pathogenic (2). Last evaluated 2025-04-03.

Conditions:
Hajdu-Cheney syndrome (HJCYS). Also called: Acroosteolysis dominant type; ACROOSTEOLYSIS WITH OSTEOPOROSIS AND CHANGES IN SKULL AND MANDIBLE; SERPENTINE FIBULA-POLYCYSTIC KIDNEY SYNDROME. Identifiers: Orphanet 955, MedGen C0917715, MONDO:0007057, OMIM 102500.

Submissions (2):

Dasa
Classification: Likely pathogenic. Last evaluated: 2025-04-03. Review status: criteria provided, single submitter. Criteria: DASA Assertion Criteria. Collection method: clinical testing. Allele origin: germline.
Comment: NM_024408.4(NOTCH2):c.2855_2858del (p.Glu952Valfs*2) is a frameshift variant in NOTCH2 predicted to alter the reading frame and introduce a premature termination codon and is predicted to result in an absent or altered protein product. Loss of function is an established disease mechanism for NOTCH2-associated disorders. Also, this variant is absent from population databases. Based on the currently available evidence, this variant is classified as likely pathogenic.

Genomic Medicine Center of Excellence, King Faisal Specialist Hospital and Research Centre
Classification: Likely pathogenic for Hajdu-Cheney syndrome. Last evaluated: 2024-03-26. Review status: criteria provided, single submitter. Criteria: ACMG Guidelines, 2015. Collection method: clinical testing. Allele origin: germline.